The following is an entry in ClinVar:

NM_001365068.1(ASTN2):c.2271C>T (p.Cys757=)

Gene: ASTN2 (astrotactin 2; minus strand). Cytogenetic location: 9q33.1.
Variant type: single nucleotide variant.
Coding change: c.2271C>T on transcript NM_001365068.1 (MANE Select); coding-DNA position 2271, C replaced by T.
Protein change: p.Cys757=; no amino-acid change (cysteine 757 retained).
Molecular consequence: synonymous variant.
Genome position (GRCh38, 1-based): chr9:116,805,757, G>A on the plus strand (C>T on the coding strand, the complement: ASTN2 is on the minus strand). VCF-style: chr9-116805757-G-A. GRCh37 (hg19) VCF-style: chr9-119568036-G-A.
Other names: NC_000009.11:g.119568036G>A; c.2259C>T, p.Cys753= (NM_001365069.1); c.2118C>T, p.Cys706= (NM_014010.5).
Identifiers: ClinVar variation 3034921 (VCV003034921.3), dbSNP rs138836456, ClinGen allele CA5211405.

ClinVar aggregate classification (germline): Likely benign (0 of 4 stars; one submission).

Conditions:
ASTN2-related disorder. Also called: ASTN2-related condition.

Allele frequency attached by ClinVar (database versions not stated): 1000 Genomes Project 30x 0.00016; 1000 Genomes Project 0.00020; ExAC 0.00028; ESP Exome Variant Server 0.00031; TOPMed 0.00032; gnomAD 0.00036; gnomAD exomes 0.00055.
gnomAD v4.1: 859 of 1,613,914 alleles (0.053%); highest among the groups gnomAD compares: Non-Finnish European, 0.068%; 1 homozygote.

Submissions (2):

PreventionGenetics, part of Exact Sciences
Classification: Likely benign for ASTN2-related condition. Last evaluated: 2019-03-05. Review status: no assertion criteria provided. Collection method: clinical testing. Allele origin: germline.
Comment: This variant is classified as likely benign based on ACMG/AMP sequence variant interpretation guidelines (Richards et al. 2015 PMID: 25741868, with internal and published modifications).

Dr. Peter K. Rogan Lab, Western University
No classification provided (evidence only). Condition: Sarcoma. Review status: no classification provided. Collection method: in vitro. Allele origin: not applicable. Functional consequence: retained intron. Not counted in ClinVar's aggregate classification.